The following is an entry in ClinVar:

ClinVar aggregate classification (germline): Likely benign (1 of 4 stars; one submission).

Allele frequency attached by ClinVar (database versions not stated): gnomAD exomes 0.00362; TOPMed 0.00561; ESP Exome Variant Server 0.00592; gnomAD 0.00635; ExAC 0.00805; 1000 Genomes Project 30x 0.01577; 1000 Genomes Project 0.01697.
gnomAD v4.1: 6,223 of 1,577,132 alleles (0.39%); highest among the groups gnomAD compares: South Asian, 4.2%; 141 homozygotes.

Submission:

GeneDx
Classification: Likely benign. Last evaluated: 2018-12-23. Review status: criteria provided, single submitter. Criteria: GeneDx Variant Classification Process June 2021. Collection method: clinical testing. Allele origin: germline. Affected: yes.
Comment: See Variant Classification Assertion Criteria.

NM_000180.4(GUCY2D):c.2113+34G>A

Gene: GUCY2D (guanylate cyclase 2D, retinal; plus strand). Cytogenetic location: 17p13.1.
Variant type: single nucleotide variant.
Coding change: c.2113+34G>A on transcript NM_000180.4 (MANE Select); 34 bases into the intron after coding-DNA position 2113, G replaced by A.
Molecular consequence: intron variant.
Genome position (GRCh38, 1-based): chr17:8,012,640, G>A. VCF-style: chr17-8012640-G-A. GRCh37 (hg19) VCF-style: chr17-7915958-G-A.
Identifiers: ClinVar variation 1707110 (VCV001707110.2), dbSNP rs112764660, ClinGen allele CA8366004.